The following is an entry in ClinVar:

NM_002335.4(LRP5):c.532C>T (p.Arg178Trp)

Gene: LRP5 (LDL receptor related protein 5; plus strand). Cytogenetic location: 11q13.2.
Variant type: single nucleotide variant.
Coding change: c.532C>T on transcript NM_002335.4 (MANE Select); coding-DNA position 532, C replaced by T.
Protein change: p.Arg178Trp; replaces arginine 178 with tryptophan.
Molecular consequence: missense variant. On other transcripts: 5 prime UTR variant (1).
Genome position (GRCh38, 1-based): chr11:68,357,693, C>T. VCF-style: chr11-68357693-C-T. GRCh37 (hg19) VCF-style: chr11-68125161-C-T.
Other names: c.-1234C>T (NM_001291902.2); short protein forms R178W.
Identifiers: ClinVar variation 1043910 (VCV001043910.11), dbSNP rs200728516, ClinGen allele CA6149042.
Genomic context (GRCh38, chr11:68,357,693, plus strand): 5'-CCCTGCCCCCGTCACAGGTACATGTACTGGACAGACTGGGGTGAGACGCCCCGGATTGAG[C>T]GGGCAGGGATGGATGGCAGCACCCGGAAGATCATTGTGGACTCGGACATTTACTGGCCCA-3'
Protein context (NP_002326.2, residues 168-188): TDWGETPRIE[Arg178Trp]AGMDGSTRKI

ClinVar aggregate classification (germline): Uncertain significance. Review status: criteria provided, multiple submitters, no conflicts (2 of 4 stars). 3 submissions from 3 submitters: Uncertain significance (3). Last evaluated 2024-08-12.

Conditions:
Exudative vitreoretinopathy 4 (EVR4). Identifiers: Orphanet 891, MedGen C1866176, MONDO:0011151, OMIM 601813.
Worth disease. Also called: Autosomal dominant osteosclerosis, Worth type; ENDOSTEAL HYPEROSTOSIS, AUTOSOMAL DOMINANT; OSTEOSCLEROSIS, AUTOSOMAL DOMINANT. Identifiers: Orphanet 2790, MedGen C0432273, MONDO:0007764, OMIM 144750.
Polycystic liver disease 4 with or without kidney cysts. Identifiers: MedGen C4693479, MONDO:0044327, OMIM 617875.
Osteoporosis with pseudoglioma (OPPG). Also called: osteoporosis-pseudoglioma syndrome. Identifiers: Orphanet 2788, MedGen C0432252, MONDO:0009820, OMIM 259770.
Autosomal dominant osteopetrosis 1 (OPTA1). Also called: OSTEOPETROSIS, AUTOSOMAL DOMINANT, TYPE I. Identifiers: Orphanet 2783, MedGen C1843330, MONDO:0011877, OMIM 607634.
Bone mineral density quantitative trait locus 1 (BMND1). Identifiers: MedGen C1866079, OMIM 601884.

Allele frequency attached by ClinVar (database versions not stated): ExAC 0.00002; gnomAD 0.00002 and 0.00003; gnomAD exomes 0.00002; TOPMed 0.00002; 1000 Genomes Project 0.00020; 1000 Genomes Project 30x 0.00031.
gnomAD v4.1: 29 of 1,614,082 alleles (0.0018%); highest among the groups gnomAD compares: South Asian, 0.012%; no homozygotes.

Submissions (3):

Blueprint Genetics
Classification: Uncertain significance. Last evaluated: 2024-08-12. Review status: criteria provided, single submitter. Criteria: ACMG Guidelines, 2015. Collection method: clinical testing. Allele origin: germline.

Fulgent Genetics
Classification: Uncertain significance for Worth disease; Osteoporosis with pseudoglioma; Exudative vitreoretinopathy 4; Bone mineral density quantitative trait locus 1; Autosomal dominant osteopetrosis 1; Polycystic liver disease 4 with or without kidney cysts. Last evaluated: 2024-03-07. Review status: criteria provided, single submitter. Criteria: ACMG Guidelines, 2015. Collection method: clinical testing. Allele origin: germline.

Labcorp Genetics (formerly Invitae), Labcorp
Classification: Uncertain significance. Last evaluated: 2023-10-24. Review status: criteria provided, single submitter. Criteria: Invitae Variant Classification Sherloc (09022015). Collection method: clinical testing. Allele origin: germline.
Comment: This sequence change replaces arginine, which is basic and polar, with tryptophan, which is neutral and slightly polar, at codon 178 of the LRP5 protein (p.Arg178Trp). This variant is present in population databases (rs200728516, gnomAD 0.01%). This variant has not been reported in the literature in individuals affected with LRP5-related conditions. ClinVar contains an entry for this variant (Variation ID: 1043910). Advanced modeling of protein sequence and biophysical properties (such as structural, functional, and spatial information, amino acid conservation, physicochemical variation, residue mobility, and thermodynamic stability) has been performed at Invitae for this missense variant, however the output from this modeling did not meet the statistical confidence thresholds required to predict the impact of this variant on LRP5 protein function. In summary, the available evidence is currently insufficient to determine the role of this variant in disease. Therefore, it has been classified as a Variant of Uncertain Significance.